The following is an entry in ClinVar:

ClinVar aggregate classification (germline): Uncertain significance (1 of 4 stars; one submission).

Allele frequency attached by ClinVar (database versions not stated): gnomAD exomes below 0.00001; ExAC 0.00001; gnomAD 0.00001; 1000 Genomes Project 30x 0.00016; 1000 Genomes Project 0.00020.
gnomAD v4.1: 6 of 1,609,554 alleles (0.00037%); highest among the groups gnomAD compares: South Asian, 0.0045%; no homozygotes.

Submission:

Labcorp Genetics (formerly Invitae), Labcorp
Classification: Uncertain significance. Last evaluated: 2024-01-02. Review status: criteria provided, single submitter. Criteria: Invitae Variant Classification Sherloc (09022015). Collection method: clinical testing. Allele origin: germline.
Comment: This sequence change replaces threonine, which is neutral and polar, with serine, which is neutral and polar, at codon 1423 of the MYO7A protein (p.Thr1423Ser). This variant is present in population databases (rs536676419, gnomAD 0.003%). This variant has not been reported in the literature in individuals affected with MYO7A-related conditions. ClinVar contains an entry for this variant (Variation ID: 2184511). Advanced modeling of protein sequence and biophysical properties (such as structural, functional, and spatial information, amino acid conservation, physicochemical variation, residue mobility, and thermodynamic stability) performed at Invitae indicates that this missense variant is not expected to disrupt MYO7A protein function with a negative predictive value of 95%. In summary, the available evidence is currently insufficient to determine the role of this variant in disease. Therefore, it has been classified as a Variant of Uncertain Significance.

NM_000260.4(MYO7A):c.4267A>T (p.Thr1423Ser)

Gene: MYO7A (myosin VIIA; plus strand). Cytogenetic location: 11q13.5.
Variant type: single nucleotide variant.
Coding change: c.4267A>T on transcript NM_000260.4 (MANE Select); coding-DNA position 4267, A replaced by T.
Protein change: p.Thr1423Ser; replaces threonine 1423 with serine.
Molecular consequence: missense variant.
Genome position (GRCh38, 1-based): chr11:77,194,468, A>T. VCF-style: chr11-77194468-A-T. GRCh37 (hg19) VCF-style: chr11-76905513-A-T.
Other names: c.4267A>T, p.Thr1423Ser (NM_001127180.2); c.4234A>T, p.Thr1412Ser (NM_001369365.1); short protein forms T1412S, T1423S.
Identifiers: ClinVar variation 2184511 (VCV002184511.4), dbSNP rs536676419, ClinGen allele CA6198391.